The following is an entry in ClinVar:

ClinVar aggregate classification (germline): Uncertain significance (1 of 4 stars; one submission).

Conditions:
Kleefstra syndrome 2 (KLEFS2). Identifiers: MedGen C4540395, MONDO:0054701, OMIM 617768.

gnomAD v4.1: 19 of 1,608,016 alleles (0.0012%); highest among the groups gnomAD compares: African/African-American, 0.0013%; no homozygotes.

Submission:

Juno Genomics, Hangzhou Juno Genomics, Inc
Classification: Uncertain significance for Kleefstra syndrome 2. Review status: criteria provided, single submitter. Criteria: ACMG Guidelines, 2015. Collection method: clinical testing. Allele origin: germline. Affected: yes.
Comment: Absent from controls (or at extremely low frequency if recessive) in Genome Aggregation Database, Exome Sequencing Project, 1000 Genomes Project, or Exome Aggregation Consortium.;De novo (both maternity and paternity confirmed) in a patient with the disease and no family history.;Patient's phenotype or family history is highly specific for a disease with a single genetic etiology.;Missense variant in a gene that has a low rate of benign missense variation and where missense variants are a common mechanism of disease.

NM_170606.3(KMT2C):c.4046G>A (p.Arg1349Gln)

Gene: KMT2C (lysine methyltransferase 2C; minus strand). Cytogenetic location: 7q36.1.
Variant type: single nucleotide variant.
Coding change: c.4046G>A on transcript NM_170606.3 (MANE Select); coding-DNA position 4046, G replaced by A.
Protein change: p.Arg1349Gln; replaces arginine 1349 with glutamine.
Molecular consequence: missense variant.
Genome position (GRCh38, 1-based): chr7:152,202,980, C>T on the plus strand (G>A on the coding strand, the complement: KMT2C is on the minus strand). VCF-style: chr7-152202980-C-T. GRCh37 (hg19) VCF-style: chr7-151900065-C-T.
Other names: short protein forms R1349Q.
Identifiers: ClinVar variation 3382724 (VCV003382724.2).
Genomic context (GRCh38, chr7:152,202,980, plus strand): 5'-AAGCAAAATATTACTTGTAAATAGGCAGGGAAAGTTTCTTCAAGCTTATTTTTCCTTTTT[C>T]GGTATCTCTTCTTTATTTTTTCAGTGCTTTCAGTAACAGAAACAGATTCATCAACTAAAG-3'
Protein context (NP_733751.2, residues 1339-1359): ESTEKIKKRY[Arg1349Gln]KRKNKLEETF